The following is an entry in ClinVar:

ClinVar aggregate classification (germline): Uncertain significance (1 of 4 stars; one submission).

Conditions:
Hereditary breast ovarian cancer syndrome. Also called: Hereditary breast and ovarian cancer syndrome (HBOC); Breast and ovarian cancer; Hereditary breast and ovarian cancer syndrome; Hereditary breast and ovarian cancer; BRCA1- and BRCA2-Associated Hereditary Breast and Ovarian Cancer; Hereditary breast and/or ovarian cancer syndrome. Identifiers: Orphanet 145, MedGen C0677776, MeSH D061325, MONDO:0003582. Disease mechanism: loss of function.

Submissions (2):

Labcorp Genetics (formerly Invitae), Labcorp
Classification: Uncertain significance for Hereditary breast ovarian cancer syndrome. Last evaluated: 2015-11-25. Review status: criteria provided, single submitter. Criteria: Invitae Variant Classification Sherloc (09022015). Collection method: clinical testing. Allele origin: germline.
Comment: This sequence change replaces leucine with arginine at codon 1705 of the BRCA1 protein (p.Leu1705Arg). The leucine residue is highly conserved and there is a moderate physicochemical difference between leucine and arginine. In summary, this is a novel missense change with uncertain impact on protein function. It has been classified as a Variant of Uncertain Significance. Algorithms developed to predict the effect of missense changes on protein structure and function do not agree on the potential impact of this missense change (SIFT: "Tolerated"; PolyPhen-2: "Probably Damaging"; Align-GVGD: "Class C0"). This variant is not present in population databases (ExAC no frequency) and has not been reported in the literature.

Brotman Baty Institute, University of Washington
No classification provided (evidence only). Condition: Breast-ovarian cancer, familial 1. Review status: no classification provided. Collection method: in vitro. Allele origin: not applicable. Functional consequence: function_uncertain_variant. Not counted in ClinVar's aggregate classification.
ClinVar note: "not provided" was previously submitted as the classification for the variant. However, the classification appeared to be based only on an observation of functional data so it was converted to no classification on 2025-07-30.

NM_007294.4(BRCA1):c.5114T>G (p.Leu1705Arg)

Gene: BRCA1 (BRCA1 DNA repair associated; minus strand). Cytogenetic location: 17q21.31.
Variant type: single nucleotide variant.
Coding change: c.5114T>G on transcript NM_007294.4 (MANE Select); coding-DNA position 5114, T replaced by G.
Protein change: p.Leu1705Arg; replaces leucine 1705 with arginine.
Molecular consequence: missense variant. On other transcripts: non-coding transcript variant (1).
Genome position (GRCh38, 1-based): chr17:43,063,912, A>C on the plus strand (T>G on the coding strand, the complement: BRCA1 is on the minus strand). VCF-style: chr17-43063912-A-C. GRCh37 (hg19) VCF-style: chr17-41215929-A-C.
Other names: c.4901T>G, p.Leu1634Arg (NM_001407895.1, NM_001407896.1, NM_001407897.1 and 12 more transcripts); c.4898T>G, p.Leu1633Arg (NM_001407916.1, NM_001407917.1, NM_001407918.1 and 1 more transcripts); c.4991T>G, p.Leu1664Arg (NM_001407919.1, NM_001407937.1, NM_001407938.1 and 6 more transcripts); c.4850T>G, p.Leu1617Arg (NM_001407920.1, NM_001407921.1, NM_001407922.1 and 4 more transcripts); c.4844T>G, p.Leu1615Arg (NM_001407935.1, NM_001407936.1, NM_001407934.1); c.4988T>G, p.Leu1663Arg (NM_001407939.1, NM_001407940.1, NM_001407678.1 and 10 more transcripts); c.4985T>G, p.Leu1662Arg (NM_001407941.1, NM_001407681.1, NM_001407682.1 and 6 more transcripts); c.4973T>G, p.Leu1658Arg (NM_001407942.1, NM_007297.4, NM_001407698.1 and 13 more transcripts); and 71 more; short protein forms L1705R, L1726R, L601R, L1658R, L1408R, L1409R, L1576R, L1616R.
Identifiers: ClinVar variation 240816 (VCV000240816.12), dbSNP rs397507242, ClinGen allele CA10583550.